The following is an entry in ClinVar:

NM_001375524.1(TRRAP):c.1658T>C (p.Leu553Ser)

Gene: TRRAP (transformation/transcription domain associated protein; plus strand). Cytogenetic location: 7q22.1.
Variant type: single nucleotide variant.
Coding change: c.1658T>C on transcript NM_001375524.1 (MANE Select); coding-DNA position 1658, T replaced by C.
Protein change: p.Leu553Ser; replaces leucine 553 with serine.
Molecular consequence: missense variant.
Genome position (GRCh38, 1-based): chr7:98,910,363, T>C. VCF-style: chr7-98910363-T-C. GRCh37 (hg19) VCF-style: chr7-98507986-T-C.
Other names: c.1658T>C, p.Leu553Ser (NM_001244580.2, NM_003496.4); short protein forms L553S.
Identifiers: ClinVar variation 1809924 (VCV001809924.1), dbSNP rs2484713486, ClinGen allele CA368286829.

ClinVar aggregate classification (germline): Uncertain significance (1 of 4 stars; one submission).

Submission:

GeneDx
Classification: Uncertain significance. Last evaluated: 2022-06-30. Review status: criteria provided, single submitter. Criteria: GeneDx Variant Classification Process June 2021. Collection method: clinical testing. Allele origin: germline. Affected: yes.
Comment: Not observed at significant frequency in large population cohorts (gnomAD); In silico analysis supports that this missense variant has a deleterious effect on protein structure/function; Has not been previously published as pathogenic or benign to our knowledge